The following is an entry in ClinVar:

NM_000257.4(MYH7):c.850C>T (p.His284Tyr)

Gene: MYH7 (myosin heavy chain 7; minus strand). Cytogenetic location: 14q11.2.
Variant type: single nucleotide variant.
Coding change: c.850C>T on transcript NM_000257.4 (MANE Select); coding-DNA position 850, C replaced by T.
Protein change: p.His284Tyr; replaces histidine 284 with tyrosine.
Molecular consequence: missense variant.
Genome position (GRCh38, 1-based): chr14:23,430,946, G>A on the plus strand (C>T on the coding strand, the complement: MYH7 is on the minus strand). VCF-style: chr14-23430946-G-A. GRCh37 (hg19) VCF-style: chr14-23900155-G-A.
Other names: c.850C>T, p.His284Tyr (NM_001407004.1); short protein forms H284Y.
Identifiers: ClinVar variation 2762754 (VCV002762754.3), dbSNP rs2502310130, ClinGen allele CA389051907.

ClinVar aggregate classification (germline): Uncertain significance (1 of 4 stars; one submission).

Conditions:
Hypertrophic cardiomyopathy. Also called: HYPERTROPHIC MYOCARDIOPATHY. Identifiers: Orphanet 217569, MedGen C0007194, MeSH D002312, MONDO:0005045, HP:0001639.

Submission:

Labcorp Genetics (formerly Invitae), Labcorp
Classification: Uncertain significance for Hypertrophic cardiomyopathy. Last evaluated: 2025-06-22. Review status: criteria provided, single submitter. Criteria: Invitae Variant Classification Sherloc (09022015). Collection method: clinical testing. Allele origin: germline.
Comment: This sequence change replaces histidine, which is basic and polar, with tyrosine, which is neutral and polar, at codon 284 of the MYH7 protein (p.His284Tyr). This variant is not present in population databases (gnomAD no frequency). This variant has not been reported in the literature in individuals affected with MYH7-related conditions. ClinVar contains an entry for this variant (Variation ID: 2762754). Invitae Evidence Modeling of protein sequence and biophysical properties (such as structural, functional, and spatial information, amino acid conservation, physicochemical variation, residue mobility, and thermodynamic stability) indicates that this missense variant is expected to disrupt MYH7 protein function with a positive predictive value of 95%. In summary, the available evidence is currently insufficient to determine the role of this variant in disease. Therefore, it has been classified as a Variant of Uncertain Significance.